The following is an entry in ClinVar:

NM_001035.3(RYR2):c.11833G>A (p.Val3945Ile)

Gene: RYR2 (ryanodine receptor 2; plus strand). Cytogenetic location: 1q43.
Variant type: single nucleotide variant.
Coding change: c.11833G>A on transcript NM_001035.3 (MANE Select); coding-DNA position 11833, G replaced by A.
Protein change: p.Val3945Ile; replaces valine 3945 with isoleucine.
Molecular consequence: missense variant.
Genome position (GRCh38, 1-based): chr1:237,778,723, G>A. VCF-style: chr1-237778723-G-A. GRCh37 (hg19) VCF-style: chr1-237942023-G-A.
Other names: short protein forms V3945I.
Identifiers: ClinVar variation 2186965 (VCV002186965.4), dbSNP rs2527698248, ClinGen allele CA345409296.

ClinVar aggregate classification (germline): Uncertain significance (1 of 4 stars; one submission).

Conditions:
Catecholaminergic polymorphic ventricular tachycardia 1. Also called: VENTRICULAR TACHYCARDIA, CATECHOLAMINERGIC POLYMORPHIC, 1, WITH OR WITHOUT ATRIAL DYSFUNCTION AND/OR DILATED CARDIOMYOPATHY; RYR2-Related Catecholaminergic Polymorphic Ventricular Tachycardia; VENTRICULAR TACHYCARDIA, STRESS-INDUCED POLYMORPHIC 1. Identifiers: Orphanet 3286, MedGen C1631597, MONDO:0011484, OMIM 604772.

Submission:

Labcorp Genetics (formerly Invitae), Labcorp
Classification: Uncertain significance for Catecholaminergic polymorphic ventricular tachycardia 1. Last evaluated: 2022-05-03. Review status: criteria provided, single submitter. Criteria: Invitae Variant Classification Sherloc (09022015). Collection method: clinical testing. Allele origin: germline.
Comment: In summary, the available evidence is currently insufficient to determine the role of this variant in disease. Therefore, it has been classified as a Variant of Uncertain Significance. Algorithms developed to predict the effect of missense changes on protein structure and function (SIFT, PolyPhen-2, Align-GVGD) all suggest that this variant is likely to be disruptive. This variant has not been reported in the literature in individuals affected with RYR2-related conditions. This variant is not present in population databases (gnomAD no frequency). This sequence change replaces valine, which is neutral and non-polar, with isoleucine, which is neutral and non-polar, at codon 3945 of the RYR2 protein (p.Val3945Ile).